The following is an entry in ClinVar:

NM_006516.4(SLC2A1):c.1058T>C (p.Ile353Thr)

Gene: SLC2A1 (solute carrier family 2 member 1; minus strand). Cytogenetic location: 1p34.2.
Variant type: single nucleotide variant.
Coding change: c.1058T>C on transcript NM_006516.4 (MANE Select); coding-DNA position 1058, T replaced by C.
Protein change: p.Ile353Thr; replaces isoleucine 353 with threonine.
Molecular consequence: missense variant.
Genome position (GRCh38, 1-based): chr1:42,928,948, A>G on the plus strand (T>C on the coding strand, the complement: SLC2A1 is on the minus strand). VCF-style: chr1-42928948-A-G. GRCh37 (hg19) VCF-style: chr1-43394619-A-G.
Other names: short protein forms I353T.
Identifiers: ClinVar variation 2920529 (VCV002920529.3), dbSNP rs992419688, ClinGen allele CA21250128.
Genomic context (GRCh38, chr1:42,928,948, plus strand): 5'-CAAACTCTCCCGCATCCCTCACTCTCCAGAACCTAGCAACTCACCAGCAGTGCTAGCGCG[A>G]TGGTCATGAGTATGGCACAACCCGCCATGCCAGCGAGGCCTATGAGGTGCAGGGTCCGCC-3'
Protein context (NP_006507.2, residues 343-363): GMAGCAILMT[Ile353Thr]ALALLEQLPW

ClinVar aggregate classification (germline): Uncertain significance (1 of 4 stars; one submission).

Conditions:
GLUT1 deficiency syndrome 1, autosomal recessive. Identifiers: MedGen C3149117.

Allele frequency attached by ClinVar (database versions not stated): gnomAD exomes below 0.00001.
gnomAD v4.1: 5 of 1,613,930 alleles (0.00031%); highest among the groups gnomAD compares: Non-Finnish European, 0.00042%; no homozygotes.

Submission:

Labcorp Genetics (formerly Invitae), Labcorp
Classification: Uncertain significance for GLUT1 deficiency syndrome 1, autosomal recessive. Last evaluated: 2023-11-17. Review status: criteria provided, single submitter. Criteria: Invitae Variant Classification Sherloc (09022015). Collection method: clinical testing. Allele origin: germline.
Comment: This sequence change replaces isoleucine, which is neutral and non-polar, with threonine, which is neutral and polar, at codon 353 of the SLC2A1 protein (p.Ile353Thr). This variant is not present in population databases (gnomAD no frequency). This variant has not been reported in the literature in individuals affected with SLC2A1-related conditions. Advanced modeling of protein sequence and biophysical properties (such as structural, functional, and spatial information, amino acid conservation, physicochemical variation, residue mobility, and thermodynamic stability) performed at Invitae indicates that this missense variant is expected to disrupt SLC2A1 protein function with a positive predictive value of 95%. In summary, the available evidence is currently insufficient to determine the role of this variant in disease. Therefore, it has been classified as a Variant of Uncertain Significance.